The following is an entry in ClinVar:

NM_001792.5(CDH2):c.1848A>G (p.Pro616=)

Gene: CDH2 (cadherin 2; minus strand). Cytogenetic location: 18q12.1.
Variant type: single nucleotide variant.
Coding change: c.1848A>G on transcript NM_001792.5 (MANE Select); coding-DNA position 1848, A replaced by G.
Protein change: p.Pro616=; no amino-acid change (proline 616 retained).
Molecular consequence: synonymous variant.
Genome position (GRCh38, 1-based): chr18:27,985,655, T>C on the plus strand (A>G on the coding strand, the complement: CDH2 is on the minus strand). VCF-style: chr18-27985655-T-C. GRCh37 (hg19) VCF-style: chr18-25565619-T-C.
Other names: p.Pro616=; c.1848A>G (NM_001792.3); c.1755A>G, p.Pro585= (NM_001308176.2).
Identifiers: ClinVar variation 2175753 (VCV002175753.7), dbSNP rs374384211, ClinGen allele CA8923285.

ClinVar aggregate classification (germline): Likely benign. Review status: criteria provided, multiple submitters, no conflicts (2 of 4 stars). 3 submissions from 3 submitters: Likely benign (3). Last evaluated 2025-09-18.

Conditions:
Inborn genetic diseases. Identifiers: MedGen C0950123, MeSH D030342.

Allele frequency attached by ClinVar (database versions not stated): ESP Exome Variant Server 0.00015.
gnomAD v4.1: 8 of 1,613,740 alleles (0.0005%); highest among the groups gnomAD compares: African/African-American, 0.0093%; no homozygotes.

Submissions (3):

Labcorp Genetics (formerly Invitae), Labcorp
Classification: Likely benign. Last evaluated: 2025-09-18. Review status: criteria provided, single submitter. Criteria: Invitae Variant Classification Sherloc (09022015). Collection method: clinical testing. Allele origin: germline.

Mayo Clinic Laboratories, Mayo Clinic
Classification: Likely benign. Last evaluated: 2025-02-07. Review status: criteria provided, single submitter. Criteria: ACMG Guidelines, 2015. Collection method: clinical testing. Allele origin: germline. Observed: 1 variant allele.
Comment: BP4, BP7, PM2_supporting

Ambry Genetics
Classification: Likely benign for Inborn genetic diseases. Last evaluated: 2023-07-08. Review status: criteria provided, single submitter. Criteria: Ambry Variant Classification Scheme 2023. Collection method: clinical testing. Allele origin: germline.